The following is an entry in ClinVar:

ClinVar aggregate classification (germline): Uncertain significance (1 of 4 stars; one submission).

Submission:

Labcorp Genetics (formerly Invitae), Labcorp
Classification: Uncertain significance. Last evaluated: 2022-10-09. Review status: criteria provided, single submitter. Criteria: Invitae Variant Classification Sherloc (09022015). Collection method: clinical testing. Allele origin: germline.
Comment: In summary, the available evidence is currently insufficient to determine the role of this variant in disease. Therefore, it has been classified as a Variant of Uncertain Significance. Advanced modeling of protein sequence and biophysical properties (such as structural, functional, and spatial information, amino acid conservation, physicochemical variation, residue mobility, and thermodynamic stability) performed at Invitae indicates that this missense variant is not expected to disrupt FLNB protein function. This variant has not been reported in the literature in individuals affected with FLNB-related conditions. This variant is not present in population databases (gnomAD no frequency). This sequence change replaces valine, which is neutral and non-polar, with alanine, which is neutral and non-polar, at codon 958 of the FLNB protein (p.Val958Ala).

NM_001457.4(FLNB):c.2873T>C (p.Val958Ala)

Gene: FLNB (filamin B; plus strand). Cytogenetic location: 3p14.3.
Variant type: single nucleotide variant.
Coding change: c.2873T>C on transcript NM_001457.4 (MANE Select); coding-DNA position 2873, T replaced by C.
Protein change: p.Val958Ala; replaces valine 958 with alanine.
Molecular consequence: missense variant.
Genome position (GRCh38, 1-based): chr3:58,121,250, T>C. VCF-style: chr3-58121250-T-C. GRCh37 (hg19) VCF-style: chr3-58106977-T-C.
Other names: c.2873T>C, p.Val958Ala (NM_001164317.2, NM_001164318.2, NM_001164319.2); short protein forms V958A.
Identifiers: ClinVar variation 1990736 (VCV001990736.4), dbSNP rs2097288315, ClinGen allele CA353347219.